The following is an entry in ClinVar:

NM_173842.3(IL1RN):c.318+3A>G

Gene: IL1RN (interleukin 1 receptor antagonist; plus strand). Cytogenetic location: 2q14.1.
Variant type: single nucleotide variant.
Coding change: c.318+3A>G on transcript NM_173842.3 (MANE Select); 3 bases into the intron after coding-DNA position 318, A replaced by G.
Molecular consequence: intron variant.
Genome position (GRCh38, 1-based): chr2:113,131,160, A>G. VCF-style: chr2-113131160-A-G. GRCh37 (hg19) VCF-style: chr2-113888737-A-G.
Other names: c.216+3A>G (NM_001318914.2, NM_173843.3, NM_001379360.1); c.327+3A>G (NM_173841.3); c.264+3A>G (NM_000577.5).
Identifiers: ClinVar variation 1004657 (VCV001004657.7), dbSNP rs201701192, ClinGen allele CA53696164.

ClinVar aggregate classification (germline): Uncertain significance (1 of 4 stars; one submission).

Conditions:
Sterile multifocal osteomyelitis with periostitis and pustulosis. Also called: CHRONIC RECURRENT MULTIFOCAL OSTEOMYELITIS 2, WITH PERIOSTITIS AND PUSTULOSIS. Identifiers: Orphanet 210115, MedGen C2748507, MONDO:0013021, OMIM 612852.

Allele frequency attached by ClinVar (database versions not stated): gnomAD exomes below 0.00001.
gnomAD v4.1: 1 of 1,577,140 alleles (0.000063%); highest among the groups gnomAD compares: South Asian, 0.0011%; no homozygotes.

Submission:

Labcorp Genetics (formerly Invitae), Labcorp
Classification: Uncertain significance for Sterile multifocal osteomyelitis with periostitis and pustulosis. Last evaluated: 2022-09-13. Review status: criteria provided, single submitter. Criteria: Invitae Variant Classification Sherloc (09022015). Collection method: clinical testing. Allele origin: germline.
Comment: In summary, the available evidence is currently insufficient to determine the role of this variant in disease. Therefore, it has been classified as a Variant of Uncertain Significance. Variants that disrupt the consensus splice site are a relatively common cause of aberrant splicing (PMID: 17576681, 9536098). Algorithms developed to predict the effect of sequence changes on RNA splicing suggest that this variant is not likely to affect RNA splicing. ClinVar contains an entry for this variant (Variation ID: 1004657). This variant has not been reported in the literature in individuals affected with IL1RN-related conditions. This variant is not present in population databases (gnomAD no frequency). This sequence change falls in intron 5 of the IL1RN gene. It does not directly change the encoded amino acid sequence of the IL1RN protein. It affects a nucleotide within the consensus splice site.

Literature cited by the submitters: PubMed 17576681; PubMed 9536098.